The following is an entry in ClinVar:

ClinVar aggregate classification (germline): Uncertain significance. Review status: criteria provided, multiple submitters, no conflicts (2 of 4 stars). 2 submissions from 2 submitters: Uncertain significance (2). Last evaluated 2025-11-13.

Allele frequency attached by ClinVar (database versions not stated): gnomAD 0.00001.
gnomAD v4.1: 2 of 1,594,278 alleles (0.00013%); highest among the groups gnomAD compares: Non-Finnish European, 0.000085%; no homozygotes.

Submissions (2):

Women's Health and Genetics/Laboratory Corporation of America, LabCorp
Classification: Uncertain significance. Last evaluated: 2025-11-13. Review status: criteria provided, single submitter. Criteria: LabCorp Variant Classification Summary - May 2015. Collection method: clinical testing. Allele origin: germline.
Comment: Variant summary: POGZ c.2195C>G (p.Pro732Arg) results in a non-conservative amino acid change in the encoded protein sequence. Algorithms developed to predict the effect of missense changes on protein structure and function are either unavailable or do not agree on the potential impact of this missense change. The variant was absent in 231426 control chromosomes. The available data on variant occurrences in the general population are insufficient to allow any conclusion about variant significance. To our knowledge, no occurrence of c.2195C>G in individuals affected with POGZ-related conditions and no experimental evidence demonstrating its impact on protein function have been reported. ClinVar contains an entry for this variant (Variation ID: 2575773). Based on the evidence outlined above, the variant was classified as uncertain significance.

GeneDx
Classification: Uncertain significance. Last evaluated: 2025-04-18. Review status: criteria provided, single submitter. Criteria: GeneDx Variant Classification Process June 2021. Collection method: clinical testing. Allele origin: germline. Affected: yes.
Comment: Not observed at significant frequency in large population cohorts (gnomAD); In silico analysis indicates that this missense variant does not alter protein structure/function; Has not been previously published as pathogenic or benign to our knowledge

NM_015100.4(POGZ):c.2195C>G (p.Pro732Arg)

Gene: POGZ (pogo transposable element derived with ZNF domain; minus strand). Cytogenetic location: 1q21.3.
Variant type: single nucleotide variant.
Coding change: c.2195C>G on transcript NM_015100.4 (MANE Select); coding-DNA position 2195, C replaced by G.
Protein change: p.Pro732Arg; replaces proline 732 with arginine.
Molecular consequence: missense variant.
Genome position (GRCh38, 1-based): chr1:151,408,448, G>C on the plus strand (C>G on the coding strand, the complement: POGZ is on the minus strand). VCF-style: chr1-151408448-G-C. GRCh37 (hg19) VCF-style: chr1-151380924-G-C.
Other names: c.2168C>G, p.Pro723Arg (NM_001194937.2); c.2009C>G, p.Pro670Arg (NM_001194938.2); c.2216C>G, p.Pro739Arg (NM_001410860.1); c.1910C>G, p.Pro637Arg (NM_145796.4); c.2036C>G, p.Pro679Arg (NM_207171.2); short protein forms P637R, P670R, P679R, P723R, P732R, P739R.
Identifiers: ClinVar variation 2575773 (VCV002575773.5), dbSNP rs1317130137, ClinGen allele CA341956345.